The following is an entry in ClinVar:

ClinVar aggregate classification (germline): Uncertain significance (1 of 4 stars; one submission).

Submission:

Labcorp Genetics (formerly Invitae), Labcorp
Classification: Uncertain significance. Last evaluated: 2024-03-04. Review status: criteria provided, single submitter. Criteria: Invitae Variant Classification Sherloc (09022015). Collection method: clinical testing. Allele origin: germline.
Comment: This sequence change replaces aspartic acid, which is acidic and polar, with glycine, which is neutral and non-polar, at codon 218 of the OVOL2 protein (p.Asp218Gly). This variant is not present in population databases (gnomAD no frequency). This variant has not been reported in the literature in individuals affected with OVOL2-related conditions. An algorithm developed to predict the effect of missense changes on protein structure and function (PolyPhen-2) suggests that this variant is likely to be disruptive. In summary, the available evidence is currently insufficient to determine the role of this variant in disease. Therefore, it has been classified as a Variant of Uncertain Significance.

NM_021220.4(OVOL2):c.653A>G (p.Asp218Gly)

Gene: OVOL2 (ovo like zinc finger 2; minus strand). Cytogenetic location: 20p11.23.
Variant type: single nucleotide variant.
Coding change: c.653A>G on transcript NM_021220.4 (MANE Select); coding-DNA position 653, A replaced by G.
Protein change: p.Asp218Gly; replaces aspartic acid 218 with glycine.
Molecular consequence: missense variant.
Genome position (GRCh38, 1-based): chr20:18,024,811, T>C on the plus strand (A>G on the coding strand, the complement: OVOL2 is on the minus strand). VCF-style: chr20-18024811-T-C. GRCh37 (hg19) VCF-style: chr20-18005455-T-C.
Other names: c.257A>G, p.Asp86Gly (NM_001303461.1, NM_001303462.1); short protein forms D86G, D218G.
Identifiers: ClinVar variation 2854809 (VCV002854809.3), dbSNP rs2515371352, ClinGen allele CA408331708.
Genomic context (GRCh38, chr20:18,024,811, plus strand): 5'-GGATGGGCACTGTTCACGTGCAGGTACAGGTCCTCCTGGGTGGGGCCCGTGTAGCCGCAA[T>C]CCTCGCAGACGTAGAGCTTGTCCCGCCGCTGCTTATAGGCATACTGCTGCTGCACCCCAT-3'
Protein context (NP_067043.2, residues 208-228): QRRDKLYVCE[Asp218Gly]CGYTGPTQED